The following is an entry in ClinVar:

NM_198578.4(LRRK2):c.1147A>C (p.Ser383Arg)

Gene: LRRK2 (leucine rich repeat kinase 2; plus strand). Cytogenetic location: 12q12.
Variant type: single nucleotide variant.
Coding change: c.1147A>C on transcript NM_198578.4 (MANE Select); coding-DNA position 1147, A replaced by C.
Protein change: p.Ser383Arg; replaces serine 383 with arginine.
Molecular consequence: missense variant.
Genome position (GRCh38, 1-based): chr12:40,251,510, A>C. VCF-style: chr12-40251510-A-C. GRCh37 (hg19) VCF-style: chr12-40645312-A-C.
Other names: short protein forms S383R.
Identifiers: ClinVar variation 3068560 (VCV003068560.2), dbSNP rs758295804, ClinGen allele CA6513301.

ClinVar aggregate classification (germline): Uncertain significance. Review status: criteria provided, multiple submitters, no conflicts (2 of 4 stars). 2 submissions from 2 submitters: Uncertain significance (2). Last evaluated 2025-06-24.

Conditions:
Autosomal dominant Parkinson disease 8. Also called: LRRK2-Related Parkinson Disease; Parkinson disease 8; Parkinson disease 8, susceptibility to. Identifiers: Orphanet 411602, MedGen C1846862, MONDO:0011764, OMIM 607060.
Parkinson disease (PD). Identifiers: MedGen C0030567, MeSH D010300, MONDO:0005180.

Allele frequency attached by ClinVar (database versions not stated): gnomAD exomes below 0.00001; TOPMed below 0.00001; ExAC 0.00001.
gnomAD v4.1: 6 of 1,612,706 alleles (0.00037%); highest among the groups gnomAD compares: Non-Finnish European, 0.00051%; no homozygotes.

Submissions (2):

Labcorp Genetics (formerly Invitae), Labcorp
Classification: Uncertain significance for Autosomal dominant Parkinson disease 8. Last evaluated: 2025-06-24. Review status: criteria provided, single submitter. Criteria: Invitae Variant Classification Sherloc (09022015). Collection method: clinical testing. Allele origin: germline.
Comment: This sequence change replaces serine, which is neutral and polar, with arginine, which is basic and polar, at codon 383 of the LRRK2 protein (p.Ser383Arg). This variant is present in population databases (rs758295804, gnomAD 0.0009%). This missense change has been observed in individual(s) with clinical features of LRRK2-related conditions (PMID: 31731261). ClinVar contains an entry for this variant (Variation ID: 3068560). Invitae Evidence Modeling of protein sequence and biophysical properties (such as structural, functional, and spatial information, amino acid conservation, physicochemical variation, residue mobility, and thermodynamic stability) has been performed for this missense variant. However, the output from this modeling did not meet the statistical confidence thresholds required to predict the impact of this variant on LRRK2 protein function. In summary, the available evidence is currently insufficient to determine the role of this variant in disease. Therefore, it has been classified as a Variant of Uncertain Significance.

Molecular Genetics, Royal Melbourne Hospital
Classification: Uncertain significance for Parkinson disease. Last evaluated: 2023-08-01. Review status: criteria provided, single submitter. Criteria: ACMG Guidelines, 2015. Collection method: clinical testing. Allele origin: germline. Inheritance: Autosomal dominant inheritance.
Comment: This sequence change in LRRK2 is predicted to replace serine with arginine at codon 383, p.(Ser383Arg). The serine residue is moderately conserved (100 vertebrates, UCSC), and is located in a region involved in RAB29-mediated activation. There is a large physicochemical difference between serine and arginine. This variant is present in a single individual in the European (non-Finnish) population from the population database gnomAD v2.1 (1/112,196 alleles). This variant has been reported in an individual with combined dystonia (PMID: 31731261). Computational evidence predicts a benign effect for the missense substitution (REVEL = 0.017). Based on the classification scheme RMH Modified ACMG/AMP Guidelines v1.6.1, this variant is classified as a VARIANT OF UNCERTAIN SIGNIFICANCE. Following criteria are met: BP4, PM2_Supporting.

Literature cited by the submitters: PubMed 31731261 (cited by Labcorp Genetics (formerly Invitae), Labcorp and Molecular Genetics, Royal Melbourne Hospital).